The following is an entry in ClinVar:

ClinVar aggregate classification (germline): not provided (0 of 4 stars; one submission).

Submission:

ITMI
No classification provided. Condition: AllHighlyPenetrant. Last evaluated: 2013-09-19. Review status: no classification provided. Collection method: reference population. Allele origin: germline.
Comment: Please see associated publication for description of ethnicities

Literature cited by the submitters: PubMed 24728327.

NM_016169.4(SUFU):c.518G>A (p.Arg173Lys)

Gene: SUFU (SUFU negative regulator of hedgehog signaling; plus strand). Cytogenetic location: 10q24.32.
Variant type: single nucleotide variant.
Coding change: c.518G>A on transcript NM_016169.4 (MANE Select); coding-DNA position 518, G replaced by A.
Protein change: p.Arg173Lys; replaces arginine 173 with lysine.
Molecular consequence: missense variant.
Genome position (GRCh38, 1-based): chr10:102,592,645, G>A. VCF-style: chr10-102592645-G-A. GRCh37 (hg19) VCF-style: chr10-104352402-G-A.
Other names: c.518G>A, p.Arg173Lys (NM_001178133.2); short protein forms R173K.
Identifiers: ClinVar variation 135279 (VCV000135279.1), dbSNP rs587778697, ClinGen allele CA162204.